The following is an entry in ClinVar:

ClinVar aggregate classification (germline): Uncertain significance (1 of 4 stars; one submission).

Submission:

Labcorp Genetics (formerly Invitae), Labcorp
Classification: Uncertain significance. Last evaluated: 2021-03-27. Review status: criteria provided, single submitter. Criteria: Invitae Variant Classification Sherloc (09022015). Collection method: clinical testing. Allele origin: germline.
Comment: In summary, the available evidence is currently insufficient to determine the role of this variant in disease. Therefore, it has been classified as a Variant of Uncertain Significance. Algorithms developed to predict the effect of missense changes on protein structure and function (SIFT, PolyPhen-2, Align-GVGD) all suggest that this variant is likely to be tolerated, but these predictions have not been confirmed by published functional studies and their clinical significance is uncertain. This variant has not been reported in the literature in individuals with IL6ST-related conditions. This variant is not present in population databases (ExAC no frequency). This sequence change replaces proline with threonine at codon 543 of the IL6ST protein (p.Pro543Thr). The proline residue is highly conserved and there is a small physicochemical difference between proline and threonine.

NM_002184.4(IL6ST):c.1627C>A (p.Pro543Thr)

Gene: IL6ST (interleukin 6 cytokine family signal transducer; minus strand). Cytogenetic location: 5q11.2.
Variant type: single nucleotide variant.
Coding change: c.1627C>A on transcript NM_002184.4 (MANE Select); coding-DNA position 1627, C replaced by A.
Protein change: p.Pro543Thr; replaces proline 543 with threonine.
Molecular consequence: missense variant. On other transcripts: 3 prime UTR variant (1), non-coding transcript variant (2).
Genome position (GRCh38, 1-based): chr5:55,952,001, G>T on the plus strand (C>A on the coding strand, the complement: IL6ST is on the minus strand). VCF-style: chr5-55952001-G-T. GRCh37 (hg19) VCF-style: chr5-55247829-G-T.
Other names: c.1444C>A, p.Pro482Thr (NM_001190981.2); c.1525C>A, p.Pro509Thr (NM_001364275.2); c.1417C>A, p.Pro473Thr (NM_001364276.2); c.760C>A, p.Pro254Thr (NM_001364277.2); c.724C>A, p.Pro242Thr (NM_001364278.2); c.631C>A, p.Pro211Thr (NM_001364279.2); c.*554C>A (NM_175767.3); short protein forms P254T, P473T, P509T, P543T, P242T, P482T, P211T.
Identifiers: ClinVar variation 1354825 (VCV001354825.8), dbSNP rs2111678013, ClinGen allele CA359762186.